The following is an entry in ClinVar:

NM_018112.3(TMEM38B):c.437C>T (p.Ala146Val)

Gene: TMEM38B (transmembrane protein 38B; plus strand). Cytogenetic location: 9q31.2.
Variant type: single nucleotide variant.
Coding change: c.437C>T on transcript NM_018112.3 (MANE Select); coding-DNA position 437, C replaced by T.
Protein change: p.Ala146Val; replaces alanine 146 with valine.
Molecular consequence: missense variant.
Genome position (GRCh38, 1-based): chr9:105,721,704, C>T. VCF-style: chr9-105721704-C-T. GRCh37 (hg19) VCF-style: chr9-108483985-C-T.
Other names: c.437C>T (NM_018112.1); short protein forms A146V.
Identifiers: ClinVar variation 1904806 (VCV001904806.3), dbSNP rs367932362, ClinGen allele CA5170865.

ClinVar aggregate classification (germline): Uncertain significance. Review status: criteria provided, multiple submitters, no conflicts (2 of 4 stars). 2 submissions from 2 submitters: Uncertain significance (2). Last evaluated 2025-04-04.

Conditions:
Inborn genetic diseases. Identifiers: MedGen C0950123, MeSH D030342.

Allele frequency attached by ClinVar (database versions not stated): ExAC 0.00002; gnomAD 0.00002; TOPMed 0.00007; ESP Exome Variant Server 0.00008.
gnomAD v4.1: 10 of 1,611,740 alleles (0.00062%); highest among the groups gnomAD compares: Admixed American, 0.01%; no homozygotes.

Submissions (2):

Ambry Genetics
Classification: Uncertain significance for Inborn genetic diseases. Last evaluated: 2025-04-04. Review status: criteria provided, single submitter. Criteria: Ambry Variant Classification Scheme 2023. Collection method: clinical testing. Allele origin: germline.

Labcorp Genetics (formerly Invitae), Labcorp
Classification: Uncertain significance. Last evaluated: 2022-06-23. Review status: criteria provided, single submitter. Criteria: Invitae Variant Classification Sherloc (09022015). Collection method: clinical testing. Allele origin: germline.
Comment: This sequence change replaces alanine, which is neutral and non-polar, with valine, which is neutral and non-polar, at codon 146 of the TMEM38B protein (p.Ala146Val). This variant is present in population databases (rs367932362, gnomAD 0.01%). This variant has not been reported in the literature in individuals affected with TMEM38B-related conditions. Algorithms developed to predict the effect of missense changes on protein structure and function output the following: SIFT: "Tolerated"; PolyPhen-2: "Benign"; Align-GVGD: "Class C0". The valine amino acid residue is found in multiple mammalian species, which suggests that this missense change does not adversely affect protein function. In summary, the available evidence is currently insufficient to determine the role of this variant in disease. Therefore, it has been classified as a Variant of Uncertain Significance.